The following is an entry in ClinVar:

NM_024580.6(EFL1):c.1219A>G (p.Thr407Ala)

Gene: EFL1 (elongation factor like GTPase 1; minus strand). Cytogenetic location: 15q25.2.
Variant type: single nucleotide variant.
Coding change: c.1219A>G on transcript NM_024580.6 (MANE Select); coding-DNA position 1219, A replaced by G.
Protein change: p.Thr407Ala; replaces threonine 407 with alanine.
Molecular consequence: missense variant. On other transcripts: non-coding transcript variant (1).
Genome position (GRCh38, 1-based): chr15:82,225,238, T>C on the plus strand (A>G on the coding strand, the complement: EFL1 is on the minus strand). VCF-style: chr15-82225238-T-C. GRCh37 (hg19) VCF-style: chr15-82517579-T-C.
Other names: c.1066A>G, p.Thr356Ala (NM_001040610.3); c.430A>G, p.Thr144Ala (NM_001322844.2); c.1219A>G, p.Thr407Ala (NM_001322845.2); short protein forms T356A, T144A, T407A.
Identifiers: ClinVar variation 1938615 (VCV001938615.3), dbSNP rs763004227, ClinGen allele CA7698051.

ClinVar aggregate classification (germline): Uncertain significance (1 of 4 stars; one submission).

Allele frequency attached by ClinVar (database versions not stated): ExAC 0.00001.

Submission:

Labcorp Genetics (formerly Invitae), Labcorp
Classification: Uncertain significance. Last evaluated: 2022-06-22. Review status: criteria provided, single submitter. Criteria: Invitae Variant Classification Sherloc (09022015). Collection method: clinical testing. Allele origin: germline.
Comment: This variant has not been reported in the literature in individuals affected with EFL1-related conditions. This variant is present in population databases (rs763004227, gnomAD 0.003%). This sequence change replaces threonine, which is neutral and polar, with alanine, which is neutral and non-polar, at codon 407 of the EFL1 protein (p.Thr407Ala). Algorithms developed to predict the effect of missense changes on protein structure and function (SIFT, PolyPhen-2, Align-GVGD) all suggest that this variant is likely to be tolerated. In summary, the available evidence is currently insufficient to determine the role of this variant in disease. Therefore, it has been classified as a Variant of Uncertain Significance.